The following continues an entry in ClinVar:

NM_001042492.3(NF1):c.1466A>G (p.Tyr489Cys)

Gene: NF1. ClinVar aggregate classification (germline): Pathogenic. Pathogenic (33). ClinVar aggregate classification (somatic clinical impact): Tier II - Potential. ClinVar aggregate classification (oncogenicity): Likely oncogenic.

Submissions 11 to 29 of 40:

Institute for Genomic Medicine (IGM) Clinical Laboratory, Nationwide Children's Hospital
Classification: Tier II - Potential for Meningioma. Assertion type: diagnostic. Clinical significance: supports diagnosis. Last evaluated: 2024-01-05. Review status: criteria provided, single submitter. Criteria: AMP/ASCO/CAP Guidelines, 2017. Collection method: clinical testing. Allele origin: somatic. Affected: yes.
Comment: Variant has Tier II (potential) clinical significance as a diagnostic inclusion criterion in meningioma, based on the following evidence: 1) Documented in one or more cancer databases (e.g., St. Jude Pecan, COSMIC, CIViC, OncoKB). 2) Appears in one or more well-established professional guidelines (e.g., World Health Organization [WHO]; National Comprehensive Cancer Network [NCCN]) as providing diagnostic, prognostic, or therapeutic information. 3) Information in the literature supports potential biologic effect of variant (PMIDs: 11258625, 10607834). 4) Diagnostic significance based on multiple small studies (Evidence Level C; PMIDs: 32716568, 20714782, 12719945, 10204844, 10094256).

Baylor Genetics
Classification: Pathogenic for Juvenile myelomonocytic leukemia. Last evaluated: 2023-08-25. Review status: criteria provided, single submitter. Criteria: ACMG Guidelines, 2015. Collection method: clinical testing. Allele origin: unknown.

3billion
Classification: Pathogenic for Neurofibromatosis, type 1. Last evaluated: 2023-07-25. Review status: criteria provided, single submitter. Criteria: ACMG Guidelines, 2015. Collection method: clinical testing. Allele origin: germline. Affected: yes.
Comment: The variant is observed at an extremely low frequency in the gnomAD v2.1.1 dataset (total allele frequency: 0.001%). Predicted Consequence/Location: Missense variant In silico tools predict the variant to alter splicing and produce an abnormal transcript (SpliceAI: 0.99). Same nucleotide change resulting in same amino acid change has been previously reported as pathogenic/likely pathogenic with strong evidence (ClinVar ID: VCV000000354 /PMID: 22155606 /3billion dataset). The variant has been observed in multiple (>3) similarly affected unrelated individuals (PMID: 10543400, 10607834, 10862084, 19076627, 22155606). Therefore, this variant is classified as Pathogenic according to the recommendation of ACMG/AMP guideline.

Athena Diagnostics
Classification: Pathogenic. Last evaluated: 2023-06-29. Review status: criteria provided, single submitter. Criteria: Athena Diagnostics Criteria. Collection method: clinical testing. Allele origin: unknown.
Comment: The frequency of this variant in the general population is consistent with pathogenicity. This variant has been identified in multiple unrelated individuals and families with NF1. In some published literature, this variant is referred to as 1466del62. Assessment of experimental evidence suggests this variant results in abnormal protein function. (PMID: 10543400, 11258625, and 10607834)

Quest Diagnostics Nichols Institute San Juan Capistrano
Classification: Pathogenic. Last evaluated: 2023-06-29. Review status: criteria provided, single submitter. Criteria: Quest Diagnostics criteria. Collection method: clinical testing. Allele origin: unknown.
Comment: Peer-reviewed experimental studies have demonstrated that this variant causes aberrant splicing resulting in a nonsense variant (p.Tyr489*) in the NF1 mRNA which causes premature termination of NF1 protein synthesis (PMID: 10543400 (1999), 11258625 (1999), and 10607834 (2000)). It has been reported in numerous Neurofibromatosis type 1 patients in the published literature (PMID: 23758643 (2013), 23668869 (2013), and 26740943 (2015)). Based on the available information, this variant is classified as pathogenic.

Pittsburgh Clinical Genomics Laboratory, University of Pittsburgh Medical Center
Classification: Pathogenic for Neurofibromatosis-Noonan syndrome. Last evaluated: 2023-05-23. Review status: criteria provided, single submitter. Criteria: ACMG Guidelines, 2015. Collection method: clinical testing. Allele origin: germline. Inheritance: Autosomal dominant inheritance. Affected: yes.
Comment: This sequence variant is a single nucleotide substitution (A>G) at position 1466 of the coding sequence of the NF1 gene that results in a tyrosine to cysteine amino acid change at residue 489 of the neurofibromin 1 protein. Additiolly, experimental evidence confirms that this variant generates an altertive splice site that causes exon skipping and generates an early termition codon at residue 489 (PMID: 11258625). This is a previously reported, recurrent variant (ClinVar 354) that has been observed in many individuals from cohorts of neurofibromatosis patients (PMID: 11258625, 23758643, 34427956). This variant is present in 3 of 250646 alleles (0.0012%) in the gnomAD population dataset. Multiple bioinformatic tools predict that this tyrosine to cysteine amino acid change would be neutral, and the Tyr489 residue at this position is highly conserved across the vertebrate species examined. Based upon the evidence, we consider this variant to be pathogenic. ACMG Criteria: PM2, PP3, PS3, PS4

Institute of Medical Genetics and Applied Genomics, University Hospital Tübingen
Classification: Pathogenic for Neurofibromatosis, type 1. Last evaluated: 2023-04-26. Review status: criteria provided, single submitter. Criteria: ACMG Guidelines, 2015. Collection method: clinical testing. Allele origin: germline. Inheritance: Autosomal dominant inheritance. Affected: yes.

GeneDx
Classification: Pathogenic. Last evaluated: 2023-04-07. Review status: criteria provided, single submitter. Criteria: GeneDx Variant Classification Process June 2021. Collection method: clinical testing. Allele origin: germline. Affected: yes.
Comment: Exonic splice site variant demonstrated to result in protein truncation or nonsense mediated decay in a gene for which loss-of-function is a known mechanism of disease (Osborn and Upadhyaya, 1999; Messiaen et al., 2000; Nemethova et al., 2013); In silico analysis supports a deleterious effect on splicing; In silico analysis supports that this missense variant has a deleterious effect on protein structure/function; This variant is associated with the following publications: (PMID: 29685074, 26056819, 12807981, 10862084, 10543400, 31533797, 34694046, 29922827, 34427956, 11258625, 10607834, 24803665, 25919870, 11258624, 12095621, 27074763, 19076627, 11735023, 23758643, 22155606, 15863657, 22190595, 15994866, 29666462, 29522274, 12566521, 30014477, 30290804, 30308447, 23668869, 30530636, 31766501, 31717729, 31370276, 29625052, 33372952, 31589614, 31776437, 34308104, 34945792, 33999308, 34992632)

Institute of Medical Genetics, University of Zurich
Classification: Pathogenic for Neurofibromatosis, type 1. Last evaluated: 2022-05-07. Review status: criteria provided, single submitter. Criteria: ACMG Guidelines, 2015. Collection method: clinical testing. Allele origin: de novo. Affected: yes.

Genome-Nilou Lab
Classification: Pathogenic for Neurofibromatosis, type 1. Last evaluated: 2022-03-15. Review status: criteria provided, single submitter. Criteria: ACMG Guidelines, 2015. Collection method: clinical testing. Allele origin: germline. Affected: no.

Fulgent Genetics
Classification: Pathogenic for Neurofibromatosis, type 1; Neurofibromatosis, familial spinal; Café-au-lait macules with pulmonary stenosis; Neurofibromatosis-Noonan syndrome; Juvenile myelomonocytic leukemia. Last evaluated: 2021-12-14. Review status: criteria provided, single submitter. Criteria: ACMG Guidelines, 2015. Collection method: clinical testing. Allele origin: unknown.

Laboratorio de Genetica e Diagnostico Molecular, Hospital Israelita Albert Einstein
Classification: Pathogenic for Neurofibromatosis, type 1. Last evaluated: 2021-09-27. Review status: criteria provided, single submitter. Criteria: ACMG Guidelines, 2015. Collection method: clinical testing. Allele origin: germline. Affected: yes.
Comment: ACMG classification criteria: PS3 supporting, PS4 strong, PM2 moderate, PM6 moderate, PP2 supporting, PP4 supporting

Kariminejad - Najmabadi Pathology & Genetics Center
Classification: Pathogenic for Abnormality of the skin. Last evaluated: 2021-07-10. Review status: criteria provided, single submitter. Criteria: ACMG Guidelines, 2015. Collection method: clinical testing. Allele origin: germline. Affected: yes.

Genome Diagnostics Laboratory, The Hospital for Sick Children
Classification: Pathogenic for Neurofibromatosis, type 1. Last evaluated: 2020-10-26. Review status: criteria provided, single submitter. Criteria: ACMG Guidelines, 2015. Collection method: clinical testing. Allele origin: germline. Affected: yes.

Mendelics
Classification: Pathogenic for Neurofibromatosis, type 1. Last evaluated: 2020-01-23. Review status: criteria provided, single submitter. Criteria: Mendelics Assertion Criteria 2017. Collection method: clinical testing. Allele origin: unknown.

Medical Genetics, University of Parma
Classification: Pathogenic for Neurofibromatosis, type 1. Last evaluated: 2019-12-20. Review status: criteria provided, single submitter. Criteria: ACMG Guidelines, 2015. Collection method: clinical testing. Allele origin: germline. Affected: yes.

Centre for Mendelian Genomics, University Medical Centre Ljubljana
Classification: Pathogenic for Neurofibromatosis, type 1. Last evaluated: 2019-01-08. Review status: criteria provided, single submitter. Criteria: ACMG Guidelines, 2015. Collection method: clinical testing. Allele origin: unknown. Affected: yes.
Comment: This variant was classified as: Pathogenic. The following ACMG criteria were applied in classifying this variant: PS1,PS3,PS4,PP4,PP5.

Institute of Human Genetics, University of Leipzig Medical Center
Classification: Pathogenic for Neurofibromatosis, type 1. Last evaluated: 2019-01-01. Review status: criteria provided, single submitter. Criteria: ACMG Guidelines, 2015. Collection method: clinical testing. Allele origin: unknown. Affected: yes.

The Laboratory of Genetics and Metabolism, Hunan Children’s Hospital
Classification: Pathogenic for Neurofibromatosis, type 1; Tibial pseudoarthrosis. Last evaluated: 2018-11-10. Review status: criteria provided, single submitter. Criteria: ACMG Guidelines, 2015. Collection method: research. Allele origin: de novo. Affected: yes. Observed: 1 variant allele.